The following is an entry in ClinVar:

NM_016616.5(NME8):c.946G>C (p.Glu316Gln)

Gene: NME8 (NME/NM23 family member 8; plus strand). Cytogenetic location: 7p14.1.
Variant type: single nucleotide variant.
Coding change: c.946G>C on transcript NM_016616.5 (MANE Select); coding-DNA position 946, G replaced by C.
Protein change: p.Glu316Gln; replaces glutamic acid 316 with glutamine.
Molecular consequence: missense variant.
Genome position (GRCh38, 1-based): chr7:37,876,959, G>C. VCF-style: chr7-37876959-G-C. GRCh37 (hg19) VCF-style: chr7-37916561-G-C.
Other names: short protein forms E316Q.
Identifiers: ClinVar variation 3880092 (VCV003880092.2).
Genomic context (GRCh38, chr7:37,876,959, plus strand): 5'-GTTGCTAAGTTCATGGATGCTTTCTTCCCCGATTTTAAAAAAATGAAAAGCATGAAATTA[G>C]AAAAGACATTGGCATTACTTCGACCAAATCTCTTTCATGAAAGGAAAGGTAGGGAATCAA-3'
Protein context (NP_057700.3, residues 306-326): DFKKMKSMKL[Glu316Gln]KTLALLRPNL

ClinVar aggregate classification (germline): Uncertain significance. Review status: criteria provided, multiple submitters, no conflicts (2 of 4 stars). 2 submissions from 2 submitters: Uncertain significance (2). Last evaluated 2025-10-21.

Conditions:
Primary ciliary dyskinesia 6. Also called: Primary Ciliary Dyskinesia 6: TXNDC3-Related Primary Ciliary Dyskinesia. Identifiers: Orphanet 244, MedGen C1970506, MONDO:0012571, OMIM 610852.
Primary ciliary dyskinesia. Also called: Ciliary dyskinesia. Identifiers: Orphanet 244, MedGen C0008780, MONDO:0016575, HP:0012265.

gnomAD v4.1: 13 of 1,613,088 alleles (0.00081%); highest among the groups gnomAD compares: African/African-American, 0.016%; no homozygotes.

Submissions (2):

Labcorp Genetics (formerly Invitae), Labcorp
Classification: Uncertain significance for Primary ciliary dyskinesia 6. Last evaluated: 2025-10-21. Review status: criteria provided, single submitter. Criteria: Invitae Variant Classification Sherloc (09022015). Collection method: clinical testing. Allele origin: germline.
Comment: This sequence change replaces glutamic acid, which is acidic and polar, with glutamine, which is neutral and polar, at codon 316 of the NME8 protein (p.Glu316Gln). This variant is present in population databases (no rsID available, gnomAD 0.02%). This variant has not been reported in the literature in individuals affected with NME8-related conditions. ClinVar contains an entry for this variant (Variation ID: 3880092). Invitae Evidence Modeling of protein sequence and biophysical properties (such as structural, functional, and spatial information, amino acid conservation, physicochemical variation, residue mobility, and thermodynamic stability) indicates that this missense variant is not expected to disrupt NME8 protein function with a negative predictive value of 80%. In summary, the available evidence is currently insufficient to determine the role of this variant in disease. Therefore, it has been classified as a Variant of Uncertain Significance.

Ambry Genetics
Classification: Uncertain significance for Primary ciliary dyskinesia. Last evaluated: 2025-02-05. Review status: criteria provided, single submitter. Criteria: Ambry Variant Classification Scheme 2023. Collection method: clinical testing. Allele origin: germline.